The following is an entry in ClinVar:

ClinVar aggregate classification (germline): Uncertain significance (1 of 4 stars; one submission).

Conditions:
Hereditary cancer-predisposing syndrome. Also called: Hereditary Cancer Syndrome; Hereditary neoplastic syndrome; Neoplastic Syndromes, Hereditary; Tumor predisposition. Identifiers: Orphanet 140162, MedGen C0027672, MeSH D009386, MONDO:0015356.

Submission:

Sema4
Classification: Uncertain significance for Hereditary cancer-predisposing syndrome. Last evaluated: 2021-10-22. Review status: criteria provided, single submitter. Criteria: Sema4 Curation Guidelines. Collection method: curation. Allele origin: germline.
Comment: The NF1 c.3016G>T (p.V1006F) variant has not been reported in the literature to our knowledge. It was not observed in the large and broad cohorts of the Genome Aggregation Database. The variant has not been reported in ClinVar. Functional studies have not been performed, and in silico predictions of the variant's effect on protein function are inconclusive. The evidence is insufficient to meet ACMG/AMP criteria for classifying the variant as benign or pathogenic. Thus, the clinical significance of this variant is currently uncertain.

NM_001042492.3(NF1):c.3016G>T (p.Val1006Phe)

Gene: NF1 (neurofibromin 1; plus strand). Cytogenetic location: 17q11.2.
Variant type: single nucleotide variant.
Coding change: c.3016G>T on transcript NM_001042492.3 (MANE Select); coding-DNA position 3016, G replaced by T.
Protein change: p.Val1006Phe; replaces valine 1006 with phenylalanine.
Molecular consequence: missense variant.
Genome position (GRCh38, 1-based): chr17:31,230,285, G>T. VCF-style: chr17-31230285-G-T. GRCh37 (hg19) VCF-style: chr17-29557303-G-T.
Other names: c.3016G>T, p.Val1006Phe (NM_000267.4); short protein forms V1006F.
Identifiers: ClinVar variation 1692326 (VCV001692326.1), dbSNP rs1060500383, ClinGen allele CA398986593.